The following is an entry in ClinVar:

NM_031443.4(CCM2):c.609+2T>C

Gene: CCM2 (CCM2 scaffold protein; plus strand). Cytogenetic location: 7p13.
Variant type: single nucleotide variant.
Coding change: c.609+2T>C on transcript NM_031443.4 (MANE Select); the canonical splice donor site of the intron after coding-DNA position 609, T replaced by C.
Molecular consequence: splice donor variant. On other transcripts: intron variant (1).
Genome position (GRCh38, 1-based): chr7:45,068,581, T>C. VCF-style: chr7-45068581-T-C. GRCh37 (hg19) VCF-style: chr7-45108180-T-C.
Other names: c.609+2T>C (NM_001363458.2); c.472+3935T>C (NM_001167935.2); c.435+2T>C (NM_001363459.2, NM_001167934.2); c.672+2T>C (NM_001029835.2).
Identifiers: ClinVar variation 3721960 (VCV003721960.2).

ClinVar aggregate classification (germline): Likely pathogenic (1 of 4 stars; one submission).

Conditions:
Cerebral cavernous malformation 2. Also called: Familial Cerebral Cavernous Malformation 2. Identifiers: Orphanet 221061, MedGen C1864041, MONDO:0011304, OMIM 603284.

Submission:

Labcorp Genetics (formerly Invitae), Labcorp
Classification: Likely pathogenic for Cerebral cavernous malformation 2. Last evaluated: 2024-09-30. Review status: criteria provided, single submitter. Criteria: Invitae Variant Classification Sherloc (09022015). Collection method: clinical testing. Allele origin: germline.
Comment: This sequence change affects a donor splice site in intron 5 of the CCM2 gene. It is expected to disrupt RNA splicing. Variants that disrupt the donor or acceptor splice site typically lead to a loss of protein function (PMID: 16199547), and loss-of-function variants in CCM2 are known to be pathogenic (PMID: 18300272, 24689081). This variant is not present in population databases (gnomAD no frequency). This variant has not been reported in the literature in individuals affected with CCM2-related conditions. Algorithms developed to predict the effect of sequence changes on RNA splicing suggest that this variant may disrupt the consensus splice site. In summary, the currently available evidence indicates that the variant is pathogenic, but additional data are needed to prove that conclusively. Therefore, this variant has been classified as Likely Pathogenic.

Literature cited by the submitters: PubMed 16199547; PubMed 18300272; PubMed 24689081.